The following is an entry in ClinVar:

NM_007186.6(CEP250):c.1957A>T (p.Arg653Trp)

Genes: CEP250 (centrosomal protein 250; plus strand), CEP250-AS1 (CEP250 antisense RNA 1; minus strand). Cytogenetic location: 20q11.22.
Variant type: single nucleotide variant.
Coding change: c.1957A>T on transcript NM_007186.6 (MANE Select); coding-DNA position 1957, A replaced by T.
Protein change: p.Arg653Trp; replaces arginine 653 with tryptophan.
Molecular consequence: missense variant.
Genome position (GRCh38, 1-based): chr20:35,477,964, A>T. VCF-style: chr20-35477964-A-T. GRCh37 (hg19) VCF-style: chr20-34065789-A-T.
Other names: c.61A>T, p.Arg21Trp (NM_001318219.1); short protein forms R653W, R21W.
Identifiers: ClinVar variation 2100313 (VCV002100313.4), dbSNP rs2515753919, ClinGen allele CA408766220.

ClinVar aggregate classification (germline): Uncertain significance (1 of 4 stars; one submission).

Allele frequency attached by ClinVar (database versions not stated): gnomAD exomes below 0.00001.
gnomAD v4.1: 1 of 1,613,298 alleles (0.000062%); highest among the groups gnomAD compares: Non-Finnish European, 0.000085%; no homozygotes.

Submission:

Labcorp Genetics (formerly Invitae), Labcorp
Classification: Uncertain significance. Last evaluated: 2023-05-08. Review status: criteria provided, single submitter. Criteria: Invitae Variant Classification Sherloc (09022015). Collection method: clinical testing. Allele origin: germline.
Comment: This sequence change replaces arginine, which is basic and polar, with tryptophan, which is neutral and slightly polar, at codon 653 of the CEP250 protein (p.Arg653Trp). This variant is not present in population databases (gnomAD no frequency). This variant has not been reported in the literature in individuals affected with CEP250-related conditions. ClinVar contains an entry for this variant (Variation ID: 2100313). An algorithm developed to predict the effect of missense changes on protein structure and function (PolyPhen-2) suggests that this variant is likely to be disruptive. In summary, the available evidence is currently insufficient to determine the role of this variant in disease. Therefore, it has been classified as a Variant of Uncertain Significance.